The following is an entry in ClinVar:

ClinVar aggregate classification (germline): Conflicting classifications of pathogenicity. Review status: criteria provided, conflicting classifications (1 of 4 stars). 9 submissions from 9 submitters: Pathogenic (5); Uncertain significance (4). Last evaluated 2025-11-17.

Conditions:
Developmental and epileptic encephalopathy, 54. Also called: Epileptic encephalopathy, early infantile, 54; HNRNPU-Related Neurodevelopmental Disorder. Identifiers: MedGen C4479319, MONDO:0033363, OMIM 617391.
HNRNPU-related disorder. Also called: HNRNPU-related condition.
Epileptic encephalopathy. Identifiers: MedGen C0543888, HP:0200134.

Submissions (9):

Victorian Clinical Genetics Services, Murdoch Childrens Research Institute
Classification: Uncertain significance for Developmental and epileptic encephalopathy, 54. Last evaluated: 2025-11-17. Review status: criteria provided, single submitter. Criteria: ACMG Guidelines, 2015. Collection method: clinical testing. Allele origin: germline. Affected: yes.
Comment: This variant is classified as VUS-3B. Evidence in support of pathogenic classification: Variant is predicted to cause nonsense-mediated decay (NMD) and loss of protein (premature termination codon is located at least 54 nucleotides upstream of the final exon-exon junction), but is located in an exon that may undergo alternative splicing; Variant is present in gnomAD <0.001 for a dominant condition (v4: 38 heterozygote(s), 0 homozygote(s)). Additional information: This variant is non-coding in an alternative transcript. Several refseq and ENST transcripts either have a shorter exon one which this variant is not coding in, or have a completely different exon one. Many of these other transcripts have higher expression, especially in the brain, than the two transcripts which this variant is coding in (GTEx); This variant is heterozygous; This gene is associated with autosomal dominant disease; Previous reports of pathogenicity for this variant are conflicting. This variant has been classified as pathogenic and as a VUS by clinical laboratories (ClinVar) and has been reported in the literature as de novo in an individual with HNRNPU-related features (PMID: 28815871). However, it has also been observed in multiple individuals who inherited the variant from an unaffected parent (personal communication); No published functional evidence has been identified for this variant; Other NMD-predicted variant(s) comparable to the one identified in this case have conflicting previous evidence for pathogenicity. NMD-predicted variants identified in this same alternatively spliced region have conflicting classifications of pathogenic and VUS by clinical laboratories (ClinVar); Loss of function is a known mechanism of disease in this gene and is associated with developmental and epileptic encephalopathy 54 (MIM#617391). The mechanism for missense variants is unclear.

3billion
Classification: Uncertain significance for HNRNPU-related disorder. Last evaluated: 2025-09-12. Review status: criteria provided, single submitter. Criteria: ACMG Guidelines, 2015. Collection method: clinical testing. Allele origin: germline. Affected: yes.
Comment: The variant is observed at an extremely low frequency in the gnomAD v4.1.0 dataset (total allele frequency: 0.002%). Predicted Consequence/Location: Frameshift: predicted to result in a loss or disruption of normal protein function through nonsense-mediated decay (NMD) or protein truncation. Multiple pathogenic variants are reported downstream of the variant. The variant has been previously reported as de novo in a similarly affected individual (PMID: 28815871). The variant has been reported at least twice as pathogenic with clinical assertions and evidence for the classification (ClinVar ID: VCV000267738 /PMID: 28815871 /3billion dataset). Therefore, this variant is classified as VUS according to the recommendation of ACMG/AMP guideline.

Labcorp Genetics (formerly Invitae), Labcorp
Classification: Pathogenic for Developmental and epileptic encephalopathy, 54. Last evaluated: 2025-09-03. Review status: criteria provided, single submitter. Criteria: Invitae Variant Classification Sherloc (09022015). Collection method: clinical testing. Allele origin: germline.
Comment: This sequence change creates a premature translational stop signal (p.Gly218Alafs*118) in the HNRNPU gene. It is expected to result in an absent or disrupted protein product. Loss-of-function variants in HNRNPU are known to be pathogenic (PMID: 22678713, 28283832). This variant is present in population databases (rs779453109, gnomAD 0.008%). This premature translational stop signal has been observed in individual(s) with HNRNPU-related conditions (PMID: 28815871). In at least one individual the variant was observed to be de novo. ClinVar contains an entry for this variant (Variation ID: 267738). For these reasons, this variant has been classified as Pathogenic.

GeneDx
Classification: Uncertain significance. Last evaluated: 2025-01-16. Review status: criteria provided, single submitter. Criteria: GeneDx Variant Classification Process June 2021. Collection method: clinical testing. Allele origin: germline. Affected: yes.
Comment: De novo variant with confirmed parentage in a patient with developmental delay and regression, congenital hypotonia, seizures, hippocampal malrotation, and macrocephaly (PMID: 28815871); Frameshift variant predicted to result in protein truncation or nonsense mediated decay in a gene or region of a gene for which loss of function is not a well-established mechanism of disease; This variant is associated with the following publications: (PMID: 31589614, 28815871, 34312540, 37776660)

Mendelics
Classification: Pathogenic for Developmental and epileptic encephalopathy, 54. Last evaluated: 2022-05-04. Review status: criteria provided, single submitter. Criteria: Mendelics Assertion Criteria 2019. Collection method: clinical testing. Allele origin: germline.

Genomic Research Center, Shahid Beheshti University of Medical Sciences
Classification: Pathogenic for Developmental and epileptic encephalopathy, 54. Last evaluated: 2020-05-03. Review status: criteria provided, single submitter. Criteria: ACMG Guidelines, 2015. Collection method: clinical testing. Allele origin: unknown. Affected: yes.

Blueprint Genetics
Classification: Uncertain significance. Last evaluated: 2019-11-15. Review status: criteria provided, single submitter. Criteria: ACMG Guidelines, 2015. Collection method: clinical testing. Allele origin: germline.

Baylor Genetics
Classification: Pathogenic for Epileptic encephalopathy. Last evaluated: 2016-10-26. Review status: criteria provided, single submitter. Criteria: Leduc MS Am J Med Genet A. 2017. Collection method: clinical testing. Allele origin: de novo. Inheritance: Autosomal dominant inheritance. Affected: yes. Observed: 1 variant allele, 1 heterozygote.

Juno Genomics, Hangzhou Juno Genomics, Inc
Classification: Pathogenic for Developmental and epileptic encephalopathy, 54. Review status: criteria provided, single submitter. Criteria: ACMG Guidelines, 2015. Collection method: clinical testing. Allele origin: germline.
Comment: Absent from controls (or at extremely low frequency if recessive) in Genome Aggregation Database.;Null variant in a gene where loss of function (LOF) is a known mechanism of disease.;De novo (both maternity and paternity confirmed) in a patient with the disease and no family history.

Literature cited by the submitters: PubMed 28815871 (cited by 3 submitters); PubMed 22678713 (cited by Labcorp Genetics (formerly Invitae), Labcorp); PubMed 28283832 (cited by Labcorp Genetics (formerly Invitae), Labcorp).

NM_031844.3(HNRNPU):c.651_660del (p.Gly218fs)

Gene: HNRNPU (heterogeneous nuclear ribonucleoprotein U; minus strand). Cytogenetic location: 1q44.
Variant type: Deletion.
Coding change: c.651_660del on transcript NM_031844.3 (MANE Select); coding-DNA positions 651 to 660, 10 bases deleted (AGGCGGCGGA; older notation c.651_660delAGGCGGCGGA).
Protein change: p.Gly218fs; shifts the reading frame from glycine 218.
Molecular consequence: frameshift variant. On other transcripts: intron variant (1).
Genome position (GRCh38, 1-based): chr1:244,863,648-244,863,657, TCCGCCGCCT deleted on the plus strand (AGGCGGCGGA on the coding strand, the reverse complement: HNRNPU is on the minus strand); deleting any 10 consecutive bases within chr1:244,863,648-244,863,663 gives the same sequence; the c. name uses the placement nearest the transcript's 3' end. VCF-style (leftmost placement, unchanged base first): chr1-244863647-CTCCGCCGCCT-C. GRCh37 (hg19) VCF-style: chr1-245026949-CTCCGCCGCCT-C.
Other names: c.634+17_634+26del (NM_004501.3); c.651_660delAGGCGGCGGA (NM_031844.2); short protein forms G218fs.
Identifiers: ClinVar variation 267738 (VCV000267738.26), dbSNP rs779453109, ClinGen allele CA1486757.
Genomic context (GRCh38, chr1:244,863,647, plus strand): 5'-GCCGCGCGCAACGTACAACGCAGCACTCACCCGCCGCCGGAGCCCCGGGGCGACCGCCGC[CTCCGCCGCCT>C]TCCGCCTTCTTCTTACCTCCCGCCTGCTGCTGGCCCTGCCTCGCCCCGGGCGGCGCCACC-3'